The following is an entry in ClinVar:

ClinVar aggregate classification (germline): Uncertain significance (1 of 4 stars; one submission).

Submission:

Greenwood Genetic Center Diagnostic Laboratories, Greenwood Genetic Center
Classification: Uncertain significance. Last evaluated: 2024-07-25. Review status: criteria provided, single submitter. Criteria: ACMG Guidelines, 2015. Collection method: clinical testing. Allele origin: germline. Affected: yes.
Comment: Gene of Uncertain Significance

NM_001008938.4(CKAP5):c.285_288del (p.Ser95fs)

Gene: CKAP5 (cytoskeleton associated protein 5; minus strand). Cytogenetic location: 11p11.2.
Variant type: Microsatellite.
Coding change: c.285_288del on transcript NM_001008938.4 (MANE Select); coding-DNA positions 285 to 288, 4 bases deleted (TAAG; older notation c.285_288delTAAG).
Protein change: p.Ser95fs; shifts the reading frame from serine 95.
Molecular consequence: frameshift variant.
Genome position (GRCh38, 1-based): chr11:46,816,368-46,816,371, CTTA deleted on the plus strand (TAAG on the coding strand, the reverse complement: CKAP5 is on the minus strand); deleting any 4 consecutive bases within chr11:46,816,368-46,816,376 gives the same sequence; the c. name uses the placement nearest the transcript's 3' end. VCF-style (leftmost placement, unchanged base first): chr11-46816367-CCTTA-C. GRCh37 (hg19) VCF-style: chr11-46837918-CCTTA-C.
Other names: c.285_288del, p.Ser95fs (NM_014756.4); short protein forms S95fs.
Identifiers: ClinVar variation 3765871 (VCV003765871.1).